The following is an entry in ClinVar:

ClinVar aggregate classification (germline): Uncertain significance (1 of 4 stars; one submission).

Conditions:
Axenfeld-Rieger syndrome type 3 (RIEG3). Also called: AXENFELD-RIEGER ANOMALY WITH CARDIAC DEFECTS AND/OR SENSORINEURAL HEARING LOSS. Identifiers: Orphanet 782, MedGen C2678503, MONDO:0011233, OMIM 602482.

Allele frequency attached by ClinVar (database versions not stated): gnomAD exomes below 0.00001; gnomAD 0.00001.
gnomAD v4.1: 3 of 1,457,870 alleles (0.00021%); highest among the groups gnomAD compares: East Asian, 0.0029%; no homozygotes.

Submission:

Labcorp Genetics (formerly Invitae), Labcorp
Classification: Uncertain significance for Axenfeld-Rieger syndrome type 3. Last evaluated: 2023-01-26. Review status: criteria provided, single submitter. Criteria: Invitae Variant Classification Sherloc (09022015). Collection method: clinical testing. Allele origin: germline.
Comment: In summary, the available evidence is currently insufficient to determine the role of this variant in disease. Therefore, it has been classified as a Variant of Uncertain Significance. Algorithms developed to predict the effect of missense changes on protein structure and function are either unavailable or do not agree on the potential impact of this missense change (SIFT: "Deleterious"; PolyPhen-2: "Benign"; Align-GVGD: "Class C0"). This variant has not been reported in the literature in individuals affected with FOXC1-related conditions. This variant is not present in population databases (gnomAD no frequency). This sequence change replaces glycine, which is neutral and non-polar, with serine, which is neutral and polar, at codon 449 of the FOXC1 protein (p.Gly449Ser).

NM_001453.3(FOXC1):c.1345G>A (p.Gly449Ser)

Gene: FOXC1 (forkhead box C1; plus strand). Cytogenetic location: 6p25.3.
Variant type: single nucleotide variant.
Coding change: c.1345G>A on transcript NM_001453.3 (MANE Select); coding-DNA position 1345, G replaced by A.
Protein change: p.Gly449Ser; replaces glycine 449 with serine.
Molecular consequence: missense variant.
Genome position (GRCh38, 1-based): chr6:1,611,790, G>A. VCF-style: chr6-1611790-G-A. GRCh37 (hg19) VCF-style: chr6-1612025-G-A.
Other names: short protein forms G449S.
Identifiers: ClinVar variation 2832214 (VCV002832214.3), dbSNP rs1762557997, ClinGen allele CA362560726.